The following is an entry in ClinVar:

NM_005045.4(RELN):c.9220A>T (p.Ser3074Cys)

Genes: RELN (reelin; minus strand), SLC26A5-AS1 (SLC26A5 antisense RNA 1; plus strand). Cytogenetic location: 7q22.1.
Variant type: single nucleotide variant.
Coding change: c.9220A>T on transcript NM_005045.4 (MANE Select); coding-DNA position 9220, A replaced by T.
Protein change: p.Ser3074Cys; replaces serine 3074 with cysteine.
Molecular consequence: missense variant.
Genome position (GRCh38, 1-based): chr7:103,495,872, T>A on the plus strand (A>T on the coding strand, the complement: RELN is on the minus strand). VCF-style: chr7-103495872-T-A. GRCh37 (hg19) VCF-style: chr7-103136319-T-A.
Other names: c.9220A>T, p.Ser3074Cys (NM_173054.3); short protein forms S3074C.
Identifiers: ClinVar variation 542583 (VCV000542583.8), dbSNP rs774630932, ClinGen allele CA4420264.

ClinVar aggregate classification (germline): Uncertain significance (1 of 4 stars; one submission).

Conditions:
Familial temporal lobe epilepsy 7. Identifiers: Orphanet 101046, MedGen C4225327, MONDO:0014639, OMIM 616436.
Norman-Roberts syndrome (LIS2). Also called: Lissencephaly 2 (Norman-Roberts type). Identifiers: Orphanet 89844, MedGen C0796089, MONDO:0009760, OMIM 257320.

Allele frequency attached by ClinVar (database versions not stated): gnomAD exomes below 0.00001 and 0.00001; ExAC 0.00001.
gnomAD v4.1: 2 of 1,613,752 alleles (0.00012%); highest among the groups gnomAD compares: Admixed American, 0.0033%; no homozygotes.

Submission:

Labcorp Genetics (formerly Invitae), Labcorp
Classification: Uncertain significance for Familial temporal lobe epilepsy 7; Norman-Roberts syndrome. Last evaluated: 2024-04-07. Review status: criteria provided, single submitter. Criteria: Invitae Variant Classification Sherloc (09022015). Collection method: clinical testing. Allele origin: germline.
Comment: This sequence change replaces serine, which is neutral and polar, with cysteine, which is neutral and slightly polar, at codon 3074 of the RELN protein (p.Ser3074Cys). This variant is present in population databases (rs774630932, gnomAD 0.006%). This variant has not been reported in the literature in individuals affected with RELN-related conditions. ClinVar contains an entry for this variant (Variation ID: 542583). Advanced modeling of protein sequence and biophysical properties (such as structural, functional, and spatial information, amino acid conservation, physicochemical variation, residue mobility, and thermodynamic stability) performed at Invitae indicates that this missense variant is not expected to disrupt RELN protein function with a negative predictive value of 80%. In summary, the available evidence is currently insufficient to determine the role of this variant in disease. Therefore, it has been classified as a Variant of Uncertain Significance.